The following is an entry in ClinVar:

NM_000381.4(MID1):c.1656G>T (p.Trp552Cys)

Genes: MID1 (midline 1; minus strand), LOC126863207 (BRD4-independent group 4 enhancer GRCh37_chrX:10416979-10418178; plus strand). Cytogenetic location: Xp22.2.
Variant type: single nucleotide variant.
Coding change: c.1656G>T on transcript NM_000381.4 (MANE Select); coding-DNA position 1656, G replaced by T.
Protein change: p.Trp552Cys; replaces tryptophan 552 with cysteine.
Molecular consequence: missense variant.
Genome position (GRCh38, 1-based): chrX:10,449,716, C>A on the plus strand (G>T on the coding strand, the complement: MID1 is on the minus strand). VCF-style: chrX-10449716-C-A. GRCh37 (hg19) VCF-style: chrX-10417756-C-A.
Other names: c.1656G>T, p.Trp552Cys (NM_001098624.2, NM_001193277.1, NM_001347733.2 and 1 more transcripts); c.1542G>T, p.Trp514Cys (NM_033289.2); short protein forms W514C, W552C.
Identifiers: ClinVar variation 5019013 (VCV005019013.2).

ClinVar aggregate classification (germline): Uncertain significance (1 of 4 stars; one submission).

Conditions:
X-linked Opitz G/BBB syndrome (GBBB). Also called: Opitz-Frias syndrome; OPITZ BBBG SYNDROME, TYPE I; OPITZ SYNDROME, X-LINKED; OPITZ-G SYNDROME, TYPE I; MID1-Related Opitz G/BBB Syndrome. Identifiers: Orphanet 2745, MedGen C2936904, MONDO:0010222, OMIM 300000.

Submission:

Juno Genomics, Hangzhou Juno Genomics, Inc
Classification: Uncertain significance for X-linked Opitz G/BBB syndrome. Review status: criteria provided, single submitter. Criteria: ACMG Guidelines, 2015. Collection method: clinical testing. Allele origin: germline.
Comment: Absent from controls (or at extremely low frequency if recessive) in Genome Aggregation Database.